The following is an entry in ClinVar:

ClinVar aggregate classification (germline): Uncertain significance. Review status: criteria provided, multiple submitters, no conflicts (2 of 4 stars). 2 submissions from 2 submitters: Uncertain significance (2). Last evaluated 2026-01-07.

Conditions:
VPS13B-related disorder. Also called: VPS13B-related condition.
Cohen syndrome (COH1). Also called: PEPPER SYNDROME; Cutis verticis gyrata, retinitis pigmentosa, and sensorineural deafness. Identifiers: Orphanet 193, MedGen C0265223, MONDO:0008999, OMIM 216550.

Allele frequency attached by ClinVar (database versions not stated): gnomAD exomes below 0.00001; TOPMed 0.00001.
gnomAD v4.1: 2 of 1,614,088 alleles (0.00012%); highest among the groups gnomAD compares: African/African-American, 0.0027%; no homozygotes.

Submissions (2):

PreventionGenetics, part of Exact Sciences
Classification: Uncertain significance for VPS13B-related condition. Last evaluated: 2026-01-07. Review status: criteria provided, single submitter. Criteria: ACMG Guidelines, 2015. Collection method: clinical testing. Allele origin: germline.
Comment: The VPS13B c.4225A>G variant is predicted to result in the amino acid substitution p.Asn1409Asp. To our knowledge, this variant has not been reported in the literature or in a large population database (gnomAD), indicating this variant is rare. At this time, the clinical significance of this variant is uncertain due to the absence of conclusive functional and genetic evidence.

Labcorp Genetics (formerly Invitae), Labcorp
Classification: Uncertain significance for Cohen syndrome. Last evaluated: 2022-11-08. Review status: criteria provided, single submitter. Criteria: Invitae Variant Classification Sherloc (09022015). Collection method: clinical testing. Allele origin: germline.
Comment: In summary, the available evidence is currently insufficient to determine the role of this variant in disease. Therefore, it has been classified as a Variant of Uncertain Significance. Algorithms developed to predict the effect of missense changes on protein structure and function are either unavailable or do not agree on the potential impact of this missense change (SIFT: "Not Available"; PolyPhen-2: "Possibly Damaging"; Align-GVGD: "Not Available"). This variant has not been reported in the literature in individuals affected with VPS13B-related conditions. This variant is not present in population databases (gnomAD no frequency). This sequence change replaces asparagine, which is neutral and polar, with aspartic acid, which is acidic and polar, at codon 1409 of the VPS13B protein (p.Asn1409Asp).

NM_017890.5(VPS13B):c.4225A>G (p.Asn1409Asp)

Gene: VPS13B (vacuolar protein sorting 13 homolog B; plus strand). Cytogenetic location: 8q22.2.
Variant type: single nucleotide variant.
Coding change: c.4225A>G on transcript NM_017890.5 (MANE Plus Clinical); coding-DNA position 4225, A replaced by G.
Protein change: p.Asn1409Asp; replaces asparagine 1409 with aspartic acid.
Molecular consequence: missense variant. On other transcripts: intron variant (1).
Genome position (GRCh38, 1-based): chr8:99,507,837, A>G. VCF-style: chr8-99507837-A-G. GRCh37 (hg19) VCF-style: chr8-100520065-A-G.
Other names: c.4224+634A>G (NM_152564.5); short protein forms N1409D.
Identifiers: ClinVar variation 1980292 (VCV001980292.3), dbSNP rs887169588, ClinGen allele CA182982542.